The following is an entry in ClinVar:

ClinVar aggregate classification (germline): Uncertain significance. Review status: criteria provided, multiple submitters, no conflicts (2 of 4 stars). 2 submissions from 2 submitters: Uncertain significance (2). Last evaluated 2025-11-10.

Conditions:
Currarino triad. Identifiers: Orphanet 1552, MedGen C1531773, MONDO:0008305, OMIM 176450.

Submissions (2):

Labcorp Genetics (formerly Invitae), Labcorp
Classification: Uncertain significance. Last evaluated: 2025-11-10. Review status: criteria provided, single submitter. Criteria: Invitae Variant Classification Sherloc (09022015). Collection method: clinical testing. Allele origin: germline.
Comment: This variant, c.144_146dup, results in the insertion of 1 amino acid(s) of the MNX1 protein (p.Gly49dup), but otherwise preserves the integrity of the reading frame. This variant is present in population databases (no rsID available, gnomAD 0.007%). This variant has not been reported in the literature in individuals affected with MNX1-related conditions. Experimental studies and prediction algorithms are not available or were not evaluated, and the functional significance of this variant is currently unknown. In summary, the available evidence is currently insufficient to determine the role of this variant in disease. Therefore, it has been classified as a Variant of Uncertain Significance.

Fulgent Genetics
Classification: Uncertain significance for Currarino triad. Last evaluated: 2024-05-30. Review status: criteria provided, single submitter. Criteria: ACMG Guidelines, 2015. Collection method: clinical testing. Allele origin: germline.

NM_005515.4(MNX1):c.132CGG[6] (p.Gly49_Ala50insGly)

Gene: MNX1 (motor neuron and pancreas homeobox 1; minus strand). Cytogenetic location: 7q36.3.
Variant type: Microsatellite.
Coding change: c.132CGG[6] on transcript NM_005515.4 (MANE Select); six copies in a row of the 3-base unit CGG starting at c.132; the reference has five copies in a row; one copy, 3 bases duplicated; also written c.144_146dup.
Protein change: p.Gly49_Ala50insGly.
Molecular consequence: inframe insertion.
Genome position (GRCh38, 1-based): chr7:157,010,205-157,010,207, CCG duplicated on the plus strand (CGG on the coding strand, the reverse complement: MNX1 is on the minus strand); duplicating any 3 consecutive bases within chr7:157,010,205-157,010,221 gives the same sequence; the position shown is the placement nearest the transcript's 3' end. VCF-style (leftmost placement, unchanged base first): chr7-157010204-C-CCCG. GRCh37 (hg19) VCF-style: chr7-156802898-C-CCCG.
Other names: c.144_146dup (NM_005515.4).
Identifiers: ClinVar variation 2040602 (VCV002040602.5), dbSNP rs781217883, ClinGen allele CA579079999.